The following is an entry in ClinVar:

NM_001943.5(DSG2):c.3115G>A (p.Ala1039Thr)

Genes: DSG2 (desmoglein 2; plus strand), DSG2-AS1 (DSG2 antisense RNA 1; minus strand). Cytogenetic location: 18q12.1.
Variant type: single nucleotide variant.
Coding change: c.3115G>A on transcript NM_001943.5 (MANE Select); coding-DNA position 3115, G replaced by A.
Protein change: p.Ala1039Thr; replaces alanine 1039 with threonine.
Molecular consequence: missense variant.
Genome position (GRCh38, 1-based): chr18:31,546,501, G>A. VCF-style: chr18-31546501-G-A. GRCh37 (hg19) VCF-style: chr18-29126464-G-A.
Other names: short protein forms A1039T.
Identifiers: ClinVar variation 3505408 (VCV003505408.1).

ClinVar aggregate classification (germline): Uncertain significance (1 of 4 stars; one submission).

Conditions:
Cardiovascular phenotype. Identifiers: MedGen CN230736.

Submission:

Ambry Genetics
Classification: Uncertain significance for Cardiovascular phenotype. Last evaluated: 2024-07-11. Review status: criteria provided, single submitter. Criteria: Ambry Variant Classification Scheme 2023. Collection method: clinical testing. Allele origin: germline.
Comment: The p.A1039T variant (also known as c.3115G>A), located in coding exon 15 of the DSG2 gene, results from a G to A substitution at nucleotide position 3115. The alanine at codon 1039 is replaced by threonine, an amino acid with similar properties. This amino acid position is conserved. In addition, this alteration is predicted to be tolerated by in silico analysis. Based on the available evidence, the clinical significance of this variant remains unclear.